The following is an entry in ClinVar:

ClinVar aggregate classification (germline): Uncertain significance. Review status: criteria provided, single submitter (1 of 4 stars). 4 submissions from 4 submitters: Uncertain significance (1). 3 of the submissions do not count toward it. Last evaluated 2025-03-17.

Conditions:
Hypertrophic cardiomyopathy 14. Identifiers: MedGen C2750467, MONDO:0013197, OMIM 613251.

Allele frequency attached by ClinVar (database versions not stated): gnomAD exomes 0.00001 and below 0.00001; gnomAD 0.00001.
gnomAD v4.1: 6 of 1,614,086 alleles (0.00037%); highest among the groups gnomAD compares: African/African-American, 0.0013%; no homozygotes.

Submissions (4):

Labcorp Genetics (formerly Invitae), Labcorp
Classification: Uncertain significance for Hypertrophic cardiomyopathy 14. Last evaluated: 2025-03-17. Review status: criteria provided, single submitter. Criteria: Invitae Variant Classification Sherloc (09022015). Collection method: clinical testing. Allele origin: germline.
Comment: This sequence change replaces glutamic acid, which is acidic and polar, with valine, which is neutral and non-polar, at codon 1710 of the MYH6 protein (p.Glu1710Val). This variant is present in population databases (no rsID available, gnomAD 0.002%). This missense change has been observed in individual(s) with MYH6-related conditions (PMID: 34136434). ClinVar contains an entry for this variant (Variation ID: 1174659). Invitae Evidence Modeling of protein sequence and biophysical properties (such as structural, functional, and spatial information, amino acid conservation, physicochemical variation, residue mobility, and thermodynamic stability) indicates that this missense variant is not expected to disrupt MYH6 protein function with a negative predictive value of 80%. In summary, the available evidence is currently insufficient to determine the role of this variant in disease. Therefore, it has been classified as a Variant of Uncertain Significance.

Clinical Genetics DNA and cytogenetics Diagnostics Lab, Erasmus MC, Erasmus Medical Center
Classification: Uncertain significance. Review status: no assertion criteria provided. Collection method: clinical testing. Allele origin: germline. Affected: yes. Study: VKGL Data-share Consensus. Not counted in ClinVar's aggregate classification.

Clinical Genetics, Academic Medical Center
Classification: Uncertain significance. Review status: no assertion criteria provided. Collection method: clinical testing. Allele origin: germline. Affected: yes. Study: VKGL Data-share Consensus. Not counted in ClinVar's aggregate classification.

Diagnostic Laboratory, Department of Genetics, University Medical Center Groningen
Classification: Uncertain significance. Review status: no assertion criteria provided. Collection method: clinical testing. Allele origin: germline. Affected: yes. Study: VKGL Data-share Consensus. Not counted in ClinVar's aggregate classification.

Literature cited by the submitters: PubMed 34136434 (cited by Labcorp Genetics (formerly Invitae), Labcorp).

NM_002471.4(MYH6):c.5129A>T (p.Glu1710Val)

Genes: MYH6 (myosin heavy chain 6; minus strand), LOC126861896 (BRD4-independent group 4 enhancer GRCh37_chr14:23854904-23856103; plus strand). Cytogenetic location: 14q11.2.
Variant type: single nucleotide variant.
Coding change: c.5129A>T on transcript NM_002471.4 (MANE Select); coding-DNA position 5129, A replaced by T.
Protein change: p.Glu1710Val; replaces glutamic acid 1710 with valine.
Molecular consequence: missense variant.
Genome position (GRCh38, 1-based): chr14:23,385,962, T>A on the plus strand (A>T on the coding strand, the complement: MYH6 is on the minus strand). VCF-style: chr14-23385962-T-A. GRCh37 (hg19) VCF-style: chr14-23855171-T-A.
Other names: short protein forms E1710V.
Identifiers: ClinVar variation 1174659 (VCV001174659.7), dbSNP rs1195165940, ClinGen allele CA388989282.